The following is an entry in ClinVar:

ClinVar aggregate classification (germline): Uncertain significance. Review status: criteria provided, multiple submitters, no conflicts (2 of 4 stars). 2 submissions from 2 submitters: Uncertain significance (2). Last evaluated 2024-10-07.

Conditions:
Cardiovascular phenotype. Identifiers: MedGen CN230736.
Progressive familial heart block type IB (PFHB1B). Identifiers: Orphanet 871, MedGen C1970298, MONDO:0011474, OMIM 604559.

Allele frequency attached by ClinVar (database versions not stated): gnomAD exomes below 0.00001.
gnomAD v4.1: 2 of 1,613,866 alleles (0.00012%); highest among the groups gnomAD compares: Non-Finnish European, 0.000085%; no homozygotes.

Submissions (2):

Ambry Genetics
Classification: Uncertain significance for Cardiovascular phenotype. Last evaluated: 2024-10-07. Review status: criteria provided, single submitter. Criteria: Ambry Variant Classification Scheme 2023. Collection method: clinical testing. Allele origin: germline.
Comment: The p.A552G variant (also known as c.1655C>G), located in coding exon 12 of the TRPM4 gene, results from a C to G substitution at nucleotide position 1655. The alanine at codon 552 is replaced by glycine, an amino acid with similar properties. This amino acid position is well conserved in available vertebrate species; however, glycine is the reference amino acid in other vertebrate species. In addition, this alteration is predicted to be tolerated by in silico analysis. Since supporting evidence is limited at this time, the clinical significance of this alteration remains unclear.

Labcorp Genetics (formerly Invitae), Labcorp
Classification: Uncertain significance for Progressive familial heart block type IB. Last evaluated: 2024-02-16. Review status: criteria provided, single submitter. Criteria: Invitae Variant Classification Sherloc (09022015). Collection method: clinical testing. Allele origin: germline.
Comment: This sequence change replaces alanine, which is neutral and non-polar, with glycine, which is neutral and non-polar, at codon 552 of the TRPM4 protein (p.Ala552Gly). This variant is not present in population databases (gnomAD no frequency). This variant has not been reported in the literature in individuals affected with TRPM4-related conditions. ClinVar contains an entry for this variant (Variation ID: 1777331). Algorithms developed to predict the effect of missense changes on protein structure and function output the following: SIFT: "Not Available"; PolyPhen-2: "Benign"; Align-GVGD: "Not Available". The glycine amino acid residue is found in multiple mammalian species, which suggests that this missense change does not adversely affect protein function. In summary, the available evidence is currently insufficient to determine the role of this variant in disease. Therefore, it has been classified as a Variant of Uncertain Significance.

NM_017636.4(TRPM4):c.1655C>G (p.Ala552Gly)

Gene: TRPM4 (transient receptor potential cation channel subfamily M member 4; plus strand). Cytogenetic location: 19q13.33.
Variant type: single nucleotide variant.
Coding change: c.1655C>G on transcript NM_017636.4 (MANE Select); coding-DNA position 1655, C replaced by G.
Protein change: p.Ala552Gly; replaces alanine 552 with glycine.
Molecular consequence: missense variant.
Genome position (GRCh38, 1-based): chr19:49,183,124, C>G. VCF-style: chr19-49183124-C-G. GRCh37 (hg19) VCF-style: chr19-49686381-C-G.
Other names: c.1655C>G, p.Ala552Gly (NM_001195227.2); c.1310C>G, p.Ala437Gly (NM_001321281.2); c.47C>G, p.Ala16Gly (NM_001321282.2); c.1133C>G, p.Ala378Gly (NM_001321283.2); c.593C>G, p.Ala198Gly (NM_001321285.2); short protein forms A198G, A437G, A552G, A16G, A378G.
Identifiers: ClinVar variation 1777331 (VCV001777331.6), dbSNP rs2514119355, ClinGen allele CA406800406.
Genomic context (GRCh38, chr19:49,183,124, plus strand): 5'-CCTTTTGCTGGCAGATGTATCTGCTCTCGGACAAGGCCACCTCGCCGCTCTCGCTGGATG[C>G]TGGCCTCGGGCAGGCCCCCTGGAGCGACCTGCTTCTTTGGGCACTGTTGCTGAACAGGGC-3'
Protein context (NP_060106.2, residues 542-562): DKATSPLSLD[Ala552Gly]GLGQAPWSDL